The following is an entry in ClinVar:

ClinVar aggregate classification (germline): Uncertain significance (1 of 4 stars; one submission).

Allele frequency attached by ClinVar (database versions not stated): ExAC 0.00002.

Submission:

Labcorp Genetics (formerly Invitae), Labcorp
Classification: Uncertain significance. Last evaluated: 2022-03-29. Review status: criteria provided, single submitter. Criteria: Invitae Variant Classification Sherloc (09022015). Collection method: clinical testing. Allele origin: germline.
Comment: This sequence change replaces isoleucine, which is neutral and non-polar, with leucine, which is neutral and non-polar, at codon 85 of the GNPAT protein (p.Ile85Leu). This variant is present in population databases (rs757383514, gnomAD 0.002%). This variant has not been reported in the literature in individuals affected with GNPAT-related conditions. Algorithms developed to predict the effect of missense changes on protein structure and function (SIFT, PolyPhen-2, Align-GVGD) all suggest that this variant is likely to be tolerated. In summary, the available evidence is currently insufficient to determine the role of this variant in disease. Therefore, it has been classified as a Variant of Uncertain Significance.

NM_014236.4(GNPAT):c.253A>C (p.Ile85Leu)

Gene: GNPAT (glyceronephosphate O-acyltransferase; plus strand). Cytogenetic location: 1q42.2.
Variant type: single nucleotide variant.
Coding change: c.253A>C on transcript NM_014236.4 (MANE Select); coding-DNA position 253, A replaced by C.
Protein change: p.Ile85Leu; replaces isoleucine 85 with leucine.
Molecular consequence: missense variant. On other transcripts: intron variant (1).
Genome position (GRCh38, 1-based): chr1:231,251,135, A>C. VCF-style: chr1-231251135-A-C. GRCh37 (hg19) VCF-style: chr1-231386881-A-C.
Other names: c.79-9372A>C (NM_001316350.2); short protein forms I85L.
Identifiers: ClinVar variation 1432302 (VCV001432302.5), dbSNP rs757383514, ClinGen allele CA1451750.